The following is an entry in ClinVar:

NM_001267727.2(ARSG):c.360C>T (p.Thr120=)

Gene: ARSG (arylsulfatase G; plus strand). Cytogenetic location: 17q24.2.
Variant type: single nucleotide variant.
Coding change: c.360C>T on transcript NM_001267727.2 (MANE Select); coding-DNA position 360, C replaced by T.
Protein change: p.Thr120=; no amino-acid change (threonine 120 retained).
Molecular consequence: synonymous variant.
Genome position (GRCh38, 1-based): chr17:68,343,745, C>T. VCF-style: chr17-68343745-C-T. GRCh37 (hg19) VCF-style: chr17-66339886-C-T.
Other names: c.360C>T (NM_014960.4); c.360C>T, p.Thr120= (NM_001352899.2, NM_001352900.2, NM_001352901.2 and 9 more transcripts).
Identifiers: ClinVar variation 1159842 (VCV001159842.11), dbSNP rs767796353, ClinGen allele CA8728173.

ClinVar aggregate classification (germline): Likely benign. Review status: criteria provided, single submitter (1 of 4 stars). 2 submissions from 2 submitters: Likely benign (1). 1 of the submissions does not count toward it. Last evaluated 2026-01-02.

Conditions:
ARSG-related disorder. Also called: ARSG-related condition.

Allele frequency attached by ClinVar (database versions not stated): ExAC 0.00004; gnomAD 0.00005 and 0.00006; TOPMed 0.00006; gnomAD exomes 0.00008.
gnomAD v4.1: 34 of 1,614,008 alleles (0.0021%); highest among the groups gnomAD compares: Admixed American, 0.05%; no homozygotes.

Submissions (2):

Labcorp Genetics (formerly Invitae), Labcorp
Classification: Likely benign. Last evaluated: 2026-01-02. Review status: criteria provided, single submitter. Criteria: Invitae Variant Classification Sherloc (09022015). Collection method: clinical testing. Allele origin: germline.

PreventionGenetics, part of Exact Sciences
Classification: Likely benign for ARSG-related condition. Last evaluated: 2019-12-09. Review status: no assertion criteria provided. Collection method: clinical testing. Allele origin: germline. Not counted in ClinVar's aggregate classification.
Comment: This variant is classified as likely benign based on ACMG/AMP sequence variant interpretation guidelines (Richards et al. 2015 PMID: 25741868, with internal and published modifications).